The following is an entry in ClinVar:

NM_006946.4(SPTBN2):c.4746G>A (p.Lys1582=)

Gene: SPTBN2 (spectrin beta, non-erythrocytic 2; minus strand). Cytogenetic location: 11q13.2.
Variant type: single nucleotide variant.
Coding change: c.4746G>A on transcript NM_006946.4 (MANE Select); coding-DNA position 4746, G replaced by A.
Protein change: p.Lys1582=; no amino-acid change (lysine 1582 retained).
Molecular consequence: synonymous variant.
Genome position (GRCh38, 1-based): chr11:66,693,294, C>T on the plus strand (G>A on the coding strand, the complement: SPTBN2 is on the minus strand). VCF-style: chr11-66693294-C-T. GRCh37 (hg19) VCF-style: chr11-66460765-C-T.
Other names: p.Lys1582=; c.4767G>A, p.Lys1589= (NM_001411025.1); c.4746G>A, p.Lys1582= (NM_001437541.1).
Identifiers: ClinVar variation 4683639 (VCV004683639.1).

ClinVar aggregate classification (germline): Likely benign (1 of 4 stars; one submission).

gnomAD v4.1: 2 of 1,613,646 alleles (0.00012%); highest among the groups gnomAD compares: East Asian, 0.0022%; no homozygotes.

Submission:

Mayo Clinic Laboratories, Mayo Clinic
Classification: Likely benign. Last evaluated: 2025-07-14. Review status: criteria provided, single submitter. Criteria: ACMG Guidelines, 2015. Collection method: clinical testing. Allele origin: germline. Observed: 1 variant allele.
Comment: BP4, BP7